The following is an entry in ClinVar:

ClinVar aggregate classification (germline): Pathogenic (1 of 4 stars; one submission).

Conditions:
Mucopolysaccharidosis, MPS-III-C (MPS3C). Also called: SANFILIPPO SYNDROME C; MPS III C; MPS IIIC (Sanfilippo Syndrome Type C); MUCOPOLYSACCHARIDOSIS, TYPE IIIC; Mucopolysaccharidosis type IIIC (Sanfilippo C); mucopolysaccharidosis type 3C. Identifiers: Orphanet 581, Orphanet 79271, MedGen C0086649, MONDO:0009657, OMIM 252930.
Retinitis pigmentosa 73 (RP73). Identifiers: Orphanet 791, MedGen C4225287, MONDO:0014687, OMIM 616544.

Submission:

Labcorp Genetics (formerly Invitae), Labcorp
Classification: Pathogenic for Retinitis pigmentosa 73; Mucopolysaccharidosis, MPS-III-C. Last evaluated: 2023-04-09. Review status: criteria provided, single submitter. Criteria: Invitae Variant Classification Sherloc (09022015). Collection method: clinical testing. Allele origin: germline.
Comment: For these reasons, this variant has been classified as Pathogenic. ClinVar contains an entry for this variant (Variation ID: 1453420). This variant has not been reported in the literature in individuals affected with HGSNAT-related conditions. This variant is not present in population databases (gnomAD no frequency). This sequence change creates a premature translational stop signal (p.Cys415*) in the HGSNAT gene. It is expected to result in an absent or disrupted protein product. Loss-of-function variants in HGSNAT are known to be pathogenic (PMID: 17033958, 19479962).

Literature cited by the submitters: PubMed 17033958; PubMed 19479962.

NM_152419.3(HGSNAT):c.1245C>A (p.Cys415Ter)

Gene: HGSNAT (heparan-alpha-glucosaminide N-acetyltransferase; plus strand). Cytogenetic location: 8p11.21.
Variant type: single nucleotide variant.
Coding change: c.1245C>A on transcript NM_152419.3 (MANE Select); coding-DNA position 1245, C replaced by A.
Protein change: p.Cys415Ter; replaces cysteine 415 with a stop codon.
Molecular consequence: nonsense.
Genome position (GRCh38, 1-based): chr8:43,191,590, C>A. VCF-style: chr8-43191590-C-A. GRCh37 (hg19) VCF-style: chr8-43046733-C-A.
Other names: c.1245C>A, p.Cys415Ter (NM_001363227.2); c.1053C>A, p.Cys351Ter (NM_001363228.2); c.381C>A, p.Cys127Ter (NM_001363229.2); short protein forms C127*, C351*, C415*.
Identifiers: ClinVar variation 1453420 (VCV001453420.6), dbSNP rs375616017, ClinGen allele CA371119395.